The following is an entry in ClinVar:

ClinVar aggregate classification (germline): Uncertain significance (1 of 4 stars; one submission).

Submission:

Labcorp Genetics (formerly Invitae), Labcorp
Classification: Uncertain significance. Last evaluated: 2024-10-28. Review status: criteria provided, single submitter. Criteria: Invitae Variant Classification Sherloc (09022015). Collection method: clinical testing. Allele origin: germline.
Comment: This sequence change replaces arginine, which is basic and polar, with glycine, which is neutral and non-polar, at codon 2963 of the KMT2C protein (p.Arg2963Gly). This variant is not present in population databases (gnomAD no frequency). This variant has not been reported in the literature in individuals affected with KMT2C-related conditions. Invitae Evidence Modeling of protein sequence and biophysical properties (such as structural, functional, and spatial information, amino acid conservation, physicochemical variation, residue mobility, and thermodynamic stability) indicates that this missense variant is not expected to disrupt KMT2C protein function with a negative predictive value of 80%. In summary, the available evidence is currently insufficient to determine the role of this variant in disease. Therefore, it has been classified as a Variant of Uncertain Significance.

NM_170606.3(KMT2C):c.8887C>G (p.Arg2963Gly)

Gene: KMT2C (lysine methyltransferase 2C; minus strand). Cytogenetic location: 7q36.1.
Variant type: single nucleotide variant.
Coding change: c.8887C>G on transcript NM_170606.3 (MANE Select); coding-DNA position 8887, C replaced by G.
Protein change: p.Arg2963Gly; replaces arginine 2963 with glycine.
Molecular consequence: missense variant.
Genome position (GRCh38, 1-based): chr7:152,176,566, G>C on the plus strand (C>G on the coding strand, the complement: KMT2C is on the minus strand). VCF-style: chr7-152176566-G-C. GRCh37 (hg19) VCF-style: chr7-151873651-G-C.
Other names: short protein forms R2963G.
Identifiers: ClinVar variation 3723942 (VCV003723942.2).